The following is an entry in ClinVar:

NM_001999.4(FBN2):c.2778C>T (p.Ala926=)

Gene: FBN2 (fibrillin 2; minus strand). Cytogenetic location: 5q23.3.
Variant type: single nucleotide variant.
Coding change: c.2778C>T on transcript NM_001999.4 (MANE Select); coding-DNA position 2778, C replaced by T.
Protein change: p.Ala926=; no amino-acid change (alanine 926 retained).
Molecular consequence: synonymous variant.
Genome position (GRCh38, 1-based): chr5:128,350,902, G>A on the plus strand (C>T on the coding strand, the complement: FBN2 is on the minus strand). VCF-style: chr5-128350902-G-A. GRCh37 (hg19) VCF-style: chr5-127686594-G-A.
Other names: p.A926A:GCC>GCT.
Identifiers: ClinVar variation 129038 (VCV000129038.70), dbSNP rs28763948, ClinGen allele CA288816.

ClinVar aggregate classification (germline): Benign/Likely benign. Review status: criteria provided, multiple submitters, no conflicts (2 of 4 stars). 8 submissions from 8 submitters: Benign (6); Likely benign (1). 1 of the submissions does not count toward it. Last evaluated 2026-02-02.

Conditions:
Ehlers-Danlos syndrome (EDS). Identifiers: Orphanet 98249, MedGen C0013720, MONDO:0020066.
Familial thoracic aortic aneurysm and aortic dissection (TAAD). Also called: Thoracic aortic aneurysms and dissections. Identifiers: Orphanet 91387, MedGen C4707243, MONDO:0019625.
Congenital contractural arachnodactyly (CCA). Also called: BEALS SYNDROME; Beals-Hecht syndrome; Arthrogryposis, distal, type 9. Identifiers: Orphanet 115, MedGen C0220668, MONDO:0007363, OMIM 121050.

Allele frequency attached by ClinVar (database versions not stated): gnomAD exomes 0.00094 and 0.00249; ExAC 0.00300; 1000 Genomes Project 30x 0.00765; 1000 Genomes Project 0.00799; gnomAD 0.00903 and 0.00992; ESP Exome Variant Server 0.01023; TOPMed 0.01117.
gnomAD v4.1: 2,797 of 1,614,126 alleles (0.17%); highest among the groups gnomAD compares: African/African-American, 3.2%; 41 homozygotes.

Submissions (8):

Labcorp Genetics (formerly Invitae), Labcorp
Classification: Benign for Congenital contractural arachnodactyly. Last evaluated: 2026-02-02. Review status: criteria provided, single submitter. Criteria: Invitae Variant Classification Sherloc (09022015). Collection method: clinical testing. Allele origin: germline.

ARUP Laboratories, Molecular Genetics and Genomics, ARUP Laboratories
Classification: Benign. Last evaluated: 2025-07-14. Review status: criteria provided, single submitter. Criteria: ARUP Molecular Germline Variant Investigation Process 2024. Collection method: clinical testing. Allele origin: germline.

Women's Health and Genetics/Laboratory Corporation of America, LabCorp
Classification: Benign. Last evaluated: 2023-07-21. Review status: criteria provided, single submitter. Criteria: LabCorp Variant Classification Summary - May 2015. Collection method: clinical testing. Allele origin: germline.

Genome Diagnostics Laboratory, The Hospital for Sick Children
Classification: Likely benign for Ehlers-Danlos syndrome. Last evaluated: 2021-05-12. Review status: criteria provided, single submitter. Criteria: ACMG Guidelines, 2015. Collection method: clinical testing. Allele origin: germline.

Illumina Laboratory Services, Illumina
Classification: Benign for Congenital contractural arachnodactyly. Last evaluated: 2018-01-12. Review status: criteria provided, single submitter. Criteria: ICSL Variant Classification Criteria 13 December 2019. Collection method: clinical testing. Allele origin: germline.
Comment: This variant was observed in the ICSL laboratory as part of a predisposition screen in an ostensibly healthy population. It had not been previously curated by ICSL or reported in the Human Gene Mutation Database (HGMD: prior to June 1st, 2018), and was therefore a candidate for classification through an automated scoring system. Utilizing variant allele frequency, disease prevalence and penetrance estimates, and inheritance mode, an automated score was calculated to assess if this variant is too frequent to cause the disease. Based on the score and internal cut-off values, a variant classified as benign is not then subjected to further curation. The score for this variant resulted in a classification of benign for this disease.

Ambry Genetics
Classification: Benign for Familial thoracic aortic aneurysm and aortic dissection. Last evaluated: 2015-06-22. Review status: criteria provided, single submitter. Criteria: Ambry Variant Classification Scheme 2023. Collection method: clinical testing. Allele origin: germline.

GeneDx
Classification: Benign. Last evaluated: 2013-07-12. Review status: criteria provided, single submitter. Criteria: GeneDx Variant Classification (06012015). Collection method: clinical testing. Allele origin: germline. Affected: yes.
Comment: This variant is considered likely benign or benign based on one or more of the following criteria: it is a conservative change, it occurs at a poorly conserved position in the protein, it is predicted to be benign by multiple in silico algorithms, and/or has population frequency not consistent with disease.

Genetic Services Laboratory, University of Chicago
Classification: Likely benign for AllHighlyPenetrant. Review status: no assertion criteria provided. Collection method: clinical testing. Allele origin: germline. Inheritance: Autosomal dominant inheritance. Not counted in ClinVar's aggregate classification.
Comment: Likely benign based on allele frequency in 1000 Genomes Project or ESP global frequency and its presence in a patient with a rare or unrelated disease phenotype. NOT Sanger confirmed.